The following is an entry in ClinVar:

ClinVar aggregate classification (germline): Uncertain significance (1 of 4 stars; one submission).

Conditions:
Pure or complex autosomal recessive spastic paraplegia. Identifiers: Orphanet 320346, MedGen C5679887, MONDO:0017915.

Allele frequency attached by ClinVar (database versions not stated): gnomAD exomes below 0.00001 and 0.00001.

Submission:

Labcorp Genetics (formerly Invitae), Labcorp
Classification: Uncertain significance for Pure or complex autosomal recessive spastic paraplegia. Last evaluated: 2020-02-15. Review status: criteria provided, single submitter. Criteria: Invitae Variant Classification Sherloc (09022015). Collection method: clinical testing. Allele origin: germline.
Comment: This sequence change replaces threonine with alanine at codon 733 of the ZFR protein (p.Thr733Ala). The threonine residue is moderately conserved and there is a small physicochemical difference between threonine and alanine. This variant is not present in population databases (ExAC no frequency). This variant has not been reported in the literature in individuals with ZFR-related conditions. Algorithms developed to predict the effect of missense changes on protein structure and function output the following: SIFT: "Tolerated"; PolyPhen-2: "Not Available"; Align-GVGD: "Class C0". The alanine amino acid residue is found in multiple mammalian species, suggesting that this missense change does not adversely affect protein function. These predictions have not been confirmed by published functional studies and their clinical significance is uncertain. In summary, the available evidence is currently insufficient to determine the role of this variant in disease. Therefore, it has been classified as a Variant of Uncertain Significance.

NM_016107.5(ZFR):c.2197A>G (p.Thr733Ala)

Gene: ZFR (zinc finger RNA binding protein; minus strand). Cytogenetic location: 5p13.3.
Variant type: single nucleotide variant.
Coding change: c.2197A>G on transcript NM_016107.5 (MANE Select); coding-DNA position 2197, A replaced by G.
Protein change: p.Thr733Ala; replaces threonine 733 with alanine.
Molecular consequence: missense variant. On other transcripts: non-coding transcript variant (1).
Genome position (GRCh38, 1-based): chr5:32,388,620, T>C on the plus strand (A>G on the coding strand, the complement: ZFR is on the minus strand). VCF-style: chr5-32388620-T-C. GRCh37 (hg19) VCF-style: chr5-32388726-T-C.
Other names: short protein forms T733A.
Identifiers: ClinVar variation 936680 (VCV000936680.10), dbSNP rs1480757939, ClinGen allele CA359355180.
Genomic context (GRCh38, chr5:32,388,620, plus strand): 5'-GTTCAGTAATAGAAACAATTTTCTGAACTGCCTGTAACTCCTCTTCAGTTGGATAAATGG[T>C]GGCATGTTTTGTCATTACATAACGGTCATCAGATGAGTCAGGACGACGTAAGGGCTACAG-3'
Protein context (NP_057191.2, residues 723-743): DDRYVMTKHA[Thr733Ala]IYPTEEELQA